The following is an entry in ClinVar:

ClinVar aggregate classification (germline): Pathogenic (1 of 4 stars; one submission).

gnomAD v4.1: 6 of 1,597,530 alleles (0.00038%); highest among the groups gnomAD compares: Non-Finnish European, 0.00042%; no homozygotes.

Submission:

Labcorp Genetics (formerly Invitae), Labcorp
Classification: Pathogenic. Last evaluated: 2024-08-31. Review status: criteria provided, single submitter. Criteria: Invitae Variant Classification Sherloc (09022015). Collection method: clinical testing. Allele origin: germline.
Comment: This sequence change creates a premature translational stop signal (p.Arg708*) in the SZT2 gene. It is expected to result in an absent or disrupted protein product. Loss-of-function variants in SZT2 are known to be pathogenic (PMID: 23932106, 27248490, 28556953). This variant is present in population databases (no rsID available, gnomAD 0.0009%). This variant has not been reported in the literature in individuals affected with SZT2-related conditions. Algorithms developed to predict the effect of sequence changes on RNA splicing suggest that this variant may create or strengthen a splice site. For these reasons, this variant has been classified as Pathogenic.

Literature cited by the submitters: PubMed 23932106; PubMed 27248490; PubMed 28556953.

NM_001365999.1(SZT2):c.2122C>T (p.Arg708Ter)

Gene: SZT2 (SZT2 subunit of KICSTOR complex; plus strand). Cytogenetic location: 1p34.2.
Variant type: single nucleotide variant.
Coding change: c.2122C>T on transcript NM_001365999.1 (MANE Select); coding-DNA position 2122, C replaced by T.
Protein change: p.Arg708Ter; replaces arginine 708 with a stop codon.
Molecular consequence: nonsense.
Genome position (GRCh38, 1-based): chr1:43,423,183, C>T. VCF-style: chr1-43423183-C-T. GRCh37 (hg19) VCF-style: chr1-43888854-C-T.
Other names: c.2122C>T, p.Arg708Ter (NM_015284.4); short protein forms R708*.
Identifiers: ClinVar variation 3656635 (VCV003656635.2).